The following is an entry in ClinVar:

ClinVar aggregate classification (germline): Uncertain significance. Review status: criteria provided, multiple submitters, no conflicts (2 of 4 stars). 2 submissions from 2 submitters: Uncertain significance (2). Last evaluated 2024-06-22.

Conditions:
Timothy syndrome (TS). Also called: LONG QT SYNDROME WITH SYNDACTYLY. Identifiers: Orphanet 65283, MedGen C1832916, MeSH C536962, MONDO:0010979, OMIM 601005.
Long QT syndrome 8. Identifiers: MedGen CN260585, MONDO:0032756, OMIM 618447.
Brugada syndrome 3 (BRGDA3). Identifiers: Orphanet 130, MedGen C2678478, MONDO:0012742, OMIM 611875.
Long QT syndrome (LQTS). Identifiers: MedGen C0023976, MeSH D008133, MONDO:0002442. Disease mechanism: loss of function. Inheritance: Various modes of inheritance.

Allele frequency attached by ClinVar (database versions not stated): gnomAD exomes below 0.00001.
gnomAD v4.1: 2 of 1,613,960 alleles (0.00012%); highest among the groups gnomAD compares: Non-Finnish European, 0.00017%; no homozygotes.

Submissions (2):

Labcorp Genetics (formerly Invitae), Labcorp
Classification: Uncertain significance for Long QT syndrome. Last evaluated: 2024-06-22. Review status: criteria provided, single submitter. Criteria: Invitae Variant Classification Sherloc (09022015). Collection method: clinical testing. Allele origin: germline.
Comment: This sequence change replaces serine, which is neutral and polar, with asparagine, which is neutral and polar, at codon 1094 of the CACNA1C protein (p.Ser1094Asn). This variant is not present in population databases (gnomAD no frequency). This variant has not been reported in the literature in individuals affected with CACNA1C-related conditions. ClinVar contains an entry for this variant (Variation ID: 456962). Advanced modeling of protein sequence and biophysical properties (such as structural, functional, and spatial information, amino acid conservation, physicochemical variation, residue mobility, and thermodynamic stability) performed at Invitae indicates that this missense variant is not expected to disrupt CACNA1C protein function with a negative predictive value of 80%. In summary, the available evidence is currently insufficient to determine the role of this variant in disease. Therefore, it has been classified as a Variant of Uncertain Significance.

Fulgent Genetics
Classification: Uncertain significance for Timothy syndrome; Brugada syndrome 3; Long QT syndrome 8. Last evaluated: 2021-08-18. Review status: criteria provided, single submitter. Criteria: ACMG Guidelines, 2015. Collection method: clinical testing. Allele origin: unknown.

NM_000719.7(CACNA1C):c.3281G>A (p.Ser1094Asn)

Gene: CACNA1C (calcium voltage-gated channel subunit alpha1 C; plus strand). Cytogenetic location: 12p13.33.
Variant type: single nucleotide variant.
Coding change: c.3281G>A on transcript NM_000719.7 (MANE Select); coding-DNA position 3281, G replaced by A.
Protein change: p.Ser1094Asn; replaces serine 1094 with asparagine.
Molecular consequence: missense variant.
Genome position (GRCh38, 1-based): chr12:2,607,055, G>A. VCF-style: chr12-2607055-G-A. GRCh37 (hg19) VCF-style: chr12-2716221-G-A.
Other names: c.3341G>A, p.Ser1114Asn (NM_001129827.2, NM_001129832.2, NM_199460.4); c.3281G>A, p.Ser1094Asn (NM_001129829.2, NM_001129830.3, NM_001129831.2 and 15 more transcripts); c.3272G>A, p.Ser1091Asn (NM_001129844.2); short protein forms S1114N, S1094N, S1091N.
Identifiers: ClinVar variation 456962 (VCV000456962.9), dbSNP rs1165009288, ClinGen allele CA383374852.